The following is an entry in ClinVar:

ClinVar aggregate classification (germline): Conflicting classifications of pathogenicity. Review status: criteria provided, conflicting classifications (1 of 4 stars). 3 submissions from 3 submitters: Uncertain significance (1); Likely benign (2). Last evaluated 2025-06-12.

Allele frequency attached by ClinVar (database versions not stated): gnomAD exomes 0.00002 and 0.00001; TOPMed 0.00002; gnomAD 0.00001 and 0.00002; ExAC 0.00002.
gnomAD v4.1: 16 of 1,595,636 alleles (0.001%); highest among the groups gnomAD compares: Admixed American, 0.0052%; no homozygotes.

Submissions (3):

Labcorp Genetics (formerly Invitae), Labcorp
Classification: Likely benign. Last evaluated: 2025-06-12. Review status: criteria provided, single submitter. Criteria: Invitae Variant Classification Sherloc (09022015). Collection method: clinical testing. Allele origin: germline.

GeneDx
Classification: Uncertain significance. Last evaluated: 2025-03-16. Review status: criteria provided, single submitter. Criteria: GeneDx Variant Classification Process June 2021. Collection method: clinical testing. Allele origin: germline. Affected: yes.
Comment: Not observed at significant frequency in large population cohorts (gnomAD); In silico analysis indicates that this missense variant does not alter protein structure/function; Has not been previously published as pathogenic or benign to our knowledge

Laboratory for Molecular Medicine, Mass General Brigham Personalized Medicine
Classification: Likely benign. Last evaluated: 2014-01-09. Review status: criteria provided, single submitter. Criteria: LMM Criteria. Collection method: clinical testing. Allele origin: germline. Observed: 1 variant allele.
Comment: Arg1293Gln in Exon 53 of COL11A2: This variant is not expected to have clinical significance due to a lack of conservation across species, including mammals. Of note, rat and opossum have a glutamine (Gln) at this position despite high near by amino acid conservation. In addition, computational analyses (PolyPhen2, SIFT , AlignGVGD) do not suggest an impact to the protein.

NM_080680.3(COL11A2):c.3878G>A (p.Arg1293Gln)

Gene: COL11A2 (collagen type XI alpha 2 chain; minus strand). Cytogenetic location: 6p21.32.
Variant type: single nucleotide variant.
Coding change: c.3878G>A on transcript NM_080680.3 (MANE Select); coding-DNA position 3878, G replaced by A.
Protein change: p.Arg1293Gln; replaces arginine 1293 with glutamine.
Molecular consequence: missense variant.
Genome position (GRCh38, 1-based): chr6:33,168,734, C>T on the plus strand (G>A on the coding strand, the complement: COL11A2 is on the minus strand). VCF-style: chr6-33168734-C-T. GRCh37 (hg19) VCF-style: chr6-33136511-C-T.
Other names: c.3557G>A, p.Arg1186Gln (NM_080679.3); c.3620G>A, p.Arg1207Gln (NM_080681.3); short protein forms R1293Q, R1186Q, R1207Q.
Identifiers: ClinVar variation 179383 (VCV000179383.12), dbSNP rs727504832, ClinGen allele CA184316.